The following is an entry in ClinVar:

ClinVar aggregate classification (germline): Uncertain significance. Review status: criteria provided, single submitter (1 of 4 stars). 2 submissions from 2 submitters: Uncertain significance (1). 1 of the submissions does not count toward it. Last evaluated 2025-08-05.

Conditions:
Neurodevelopmental disorder with dysmorphic facies, impaired speech, and hypotonia. Identifiers: MedGen C5436585, MONDO:0033562, OMIM 619005.

Allele frequency attached by ClinVar (database versions not stated): TOPMed 0.00014; gnomAD 0.00009 and 0.00012; ExAC 0.00007; gnomAD exomes 0.00009; ESP Exome Variant Server 0.00015.
gnomAD v4.1: 365 of 1,614,210 alleles (0.023%); highest among the groups gnomAD compares: Non-Finnish European, 0.029%; no homozygotes.

Submissions (2):

GeneDx
Classification: Uncertain significance. Last evaluated: 2025-08-05. Review status: criteria provided, single submitter. Criteria: GeneDx Variant Classification Process June 2021. Collection method: clinical testing. Allele origin: germline. Affected: yes.
Comment: Reported with another MADD variant in a patient with expressive language delay and autism (PMID: 28940097); In silico analysis supports that this missense variant has a deleterious effect on protein structure/function; This variant is associated with the following publications: (PMID: 29288388, 37644014, 28940097)

OMIM
Classification: Pathogenic for NEURODEVELOPMENTAL DISORDER WITH DYSMORPHIC FACIES, IMPAIRED SPEECH, AND HYPOTONIA. Last evaluated: 2022-02-08. Review status: no assertion criteria provided. Collection method: literature only. Allele origin: germline. Not counted in ClinVar's aggregate classification.

Literature cited by the submitters: Anazi, S., Maddirevula, S., Salpietro, V., Asi, Y. T., Alsahli, S., Alhashem, A., Shamseldin, H. E., AlZahrani, F., Patel, N., Ibrahim, N., Abdulwahab, F. M., Hashem, M., and 31 others Expanding the genetic heterogeneity of intellectual disability. Hum. Genet. 136: 1419-1429, 2017. Note: Erratum: Hum. Genet. 137: 105-109, 2018. (cited by OMIM).

NM_001376571.1(MADD):c.593G>A (p.Arg198His)

Gene: MADD (MAP kinase activating death domain; plus strand). Cytogenetic location: 11p11.2.
Variant type: single nucleotide variant.
Coding change: c.593G>A on transcript NM_001376571.1 (MANE Select); coding-DNA position 593, G replaced by A.
Protein change: p.Arg198His; replaces arginine 198 with histidine.
Molecular consequence: missense variant. On other transcripts: non-coding transcript variant (8), intron variant (1).
Genome position (GRCh38, 1-based): chr11:47,275,093, G>A. VCF-style: chr11-47275093-G-A. GRCh37 (hg19) VCF-style: chr11-47296644-G-A.
Other names: c.593G>A, p.Arg198His (NM_001135943.2, NM_001135944.2, NM_001376572.1 and 80 more transcripts); c.389G>A, p.Arg130His (NM_001376635.1, NM_001376648.1, NM_001376654.1 and 9 more transcripts); c.-7-806G>A (NM_001376663.1); short protein forms R198H, R130H.
Identifiers: ClinVar variation 978079 (VCV000978079.6), dbSNP rs149316791, ClinGen allele CA5973907.